The following is an entry in ClinVar:

ClinVar aggregate classification (germline): Uncertain significance (1 of 4 stars; one submission).

Submission:

Ambry Genetics
Classification: Uncertain significance. Last evaluated: 2025-10-30. Review status: criteria provided, single submitter. Criteria: Ambry Variant Classification Scheme 2023. Collection method: clinical testing. Allele origin: germline.
Comment: The p.C122R variant (also known as c.364T>C), located in coding exon 3 of the RECQL gene, results from a T to C substitution at nucleotide position 364. The cysteine at codon 122 is replaced by arginine, an amino acid with highly dissimilar properties. This amino acid position is conserved. In addition, this alteration is predicted to be deleterious by in silico analysis. Based on the available evidence, the clinical significance of this variant remains unclear.

NM_002907.4(RECQL):c.364T>C (p.Cys122Arg)

Gene: RECQL (RecQ like helicase; minus strand). Cytogenetic location: 12p12.1.
Variant type: single nucleotide variant.
Coding change: c.364T>C on transcript NM_002907.4 (MANE Select); coding-DNA position 364, T replaced by C.
Protein change: p.Cys122Arg; replaces cysteine 122 with arginine.
Molecular consequence: missense variant.
Genome position (GRCh38, 1-based): chr12:21,490,229, A>G on the plus strand (T>C on the coding strand, the complement: RECQL is on the minus strand). VCF-style: chr12-21490229-A-G. GRCh37 (hg19) VCF-style: chr12-21643163-A-G.
Other names: c.364T>C, p.Cys122Arg (NM_032941.3); short protein forms C122R.
Identifiers: ClinVar variation 4576933 (VCV004576933.1).